The following is an entry in ClinVar:

NM_000350.3(ABCA4):c.4838del (p.Asp1613fs)

Genes: ABCA4 (ATP binding cassette subfamily A member 4; minus strand), LOC126805793 (CDK7 strongly-dependent group 2 enhancer GRCh37_chr1:94486302-94487501; plus strand). Cytogenetic location: 1p22.1.
Variant type: Deletion.
Coding change: c.4838del on transcript NM_000350.3 (MANE Select); coding-DNA position 4838, one base deleted (A; older notation c.4838delA).
Protein change: p.Asp1613fs; shifts the reading frame from aspartic acid 1613.
Molecular consequence: frameshift variant.
Genome position (GRCh38, 1-based): chr1:94,021,650, T deleted on the plus strand (A on the coding strand, the reverse complement: ABCA4 is on the minus strand). VCF-style (leftmost placement, unchanged base first): chr1-94021649-GT-G. GRCh37 (hg19) VCF-style: chr1-94487205-GT-G.
Other names: c.4616delA, p.Asp1539Alafs (NM_001425324.1); short protein forms D1613fs.
Identifiers: ClinVar variation 99323 (VCV000099323.11), dbSNP rs61752438, ClinGen allele CA227242.

ClinVar aggregate classification (germline): Pathogenic. Review status: criteria provided, multiple submitters, no conflicts (2 of 4 stars). 4 submissions from 4 submitters: Pathogenic (3). 1 of the submissions does not count toward it. Last evaluated 2026-01-26.

Conditions:
ABCA4-related disorder. Also called: ABCA4-related condition; ABCA4-related disorders. Identifiers: MedGen CN239167.
Severe early-childhood-onset retinal dystrophy (STGD1). Also called: MACULAR DYSTROPHY WITH FLECKS, TYPE 1; STGD; Stargardt disease 1; Stargardt macular dystrophy; Juvenile onset macular degeneration. Identifiers: Orphanet 364055, Orphanet 827, MedGen C1855465, MeSH D000080362, MONDO:0009549, OMIM 248200.

Allele frequency attached by ClinVar (database versions not stated): gnomAD exomes below 0.00001.

Submissions (4):

Labcorp Genetics (formerly Invitae), Labcorp
Classification: Pathogenic. Last evaluated: 2026-01-26. Review status: criteria provided, single submitter. Criteria: Invitae Variant Classification Sherloc (09022015). Collection method: clinical testing. Allele origin: germline.
Comment: This sequence change creates a premature translational stop signal (p.Asp1613Alafs*49) in the ABCA4 gene. It is expected to result in an absent or disrupted protein product. Loss-of-function variants in ABCA4 are known to be pathogenic (PMID: 10958761, 24938718, 25312043, 26780318). This variant is not present in population databases (gnomAD no frequency). This premature translational stop signal has been observed in individual(s) with ABCA4-related inherited retinal dystrophy (PMID: 38309476). ClinVar contains an entry for this variant (Variation ID: 99323). Algorithms developed to predict the effect of sequence changes on RNA splicing suggest that this variant may disrupt the consensus splice site. For these reasons, this variant has been classified as Pathogenic.

Foundation for Research in Genetics and Endocrinology, FRIGE's Institute of Human Genetics
Classification: Pathogenic for Severe early-childhood-onset retinal dystrophy. Last evaluated: 2019-12-02. Review status: criteria provided, single submitter. Criteria: ACMG Guidelines, 2015. Collection method: clinical testing. Allele origin: germline. Inheritance: Autosomal recessive inheritance. Affected: yes. Observed: 1 homozygote.
Comment: A homozygous single base pair deletion in exon 34 of the ABCA4 gene that results in a frameshift and premature truncation of the protein 49 amino acids downstream to codon 1613 was detected. The observed variant has been previously reported in patients affected with Stargardt disease (Jaakson et al. 2003). The observed variant has not been reported in the 1000 genomes and ExAC databases. The in silico prediction of the variant is damaging by MutationTaster2. The reference codon is conserved across mammals. In summary, this variant meets our criteria to be classified as pathogenic.

Blueprint Genetics
Classification: Pathogenic for ABCA4-related disorders. Last evaluated: 2018-10-25. Review status: criteria provided, single submitter. Criteria: ACMG Guidelines, 2015. Collection method: clinical testing. Allele origin: germline. Affected: yes. Observed: 3 variant alleles.

Retina International
No classification provided. Review status: no classification provided. Collection method: not provided. Allele origin: not provided. Not counted in ClinVar's aggregate classification.

Literature cited by the submitters: PubMed 10958761 (cited by Labcorp Genetics (formerly Invitae), Labcorp); PubMed 24938718 (cited by Labcorp Genetics (formerly Invitae), Labcorp); PubMed 25312043 (cited by Labcorp Genetics (formerly Invitae), Labcorp); PubMed 26780318 (cited by Labcorp Genetics (formerly Invitae), Labcorp); PubMed 38309476 (cited by Labcorp Genetics (formerly Invitae), Labcorp).